The following is an entry in ClinVar:

NM_024496.4(IRF2BPL):c.1211C>T (p.Ala404Val)

Gene: IRF2BPL (interferon regulatory factor 2 binding protein like; minus strand). Cytogenetic location: 14q24.3.
Variant type: single nucleotide variant.
Coding change: c.1211C>T on transcript NM_024496.4 (MANE Select); coding-DNA position 1211, C replaced by T.
Protein change: p.Ala404Val; replaces alanine 404 with valine.
Molecular consequence: missense variant.
Genome position (GRCh38, 1-based): chr14:77,026,582, G>A on the plus strand (C>T on the coding strand, the complement: IRF2BPL is on the minus strand). VCF-style: chr14-77026582-G-A. GRCh37 (hg19) VCF-style: chr14-77492925-G-A.
Other names: short protein forms A404V.
Identifiers: ClinVar variation 1697014 (VCV001697014.3), dbSNP rs2140377890, ClinGen allele CA390495303.

ClinVar aggregate classification (germline): Uncertain significance (1 of 4 stars; one submission).

Submission:

GeneDx
Classification: Uncertain significance. Last evaluated: 2025-09-12. Review status: criteria provided, single submitter. Criteria: GeneDx Variant Classification Process June 2021. Collection method: clinical testing. Allele origin: germline. Affected: yes.
Comment: Not observed at significant frequency in large population cohorts (gnomAD); In silico analysis suggests that this missense variant does not alter protein structure/function; Has not been previously published as pathogenic or benign to our knowledge